The following is an entry in ClinVar:

NM_004364.5(CEBPA):c.-4C>T

Genes: CEBPA (CCAAT enhancer binding protein alpha; minus strand), LOC130064183 (ATAC-STARR-seq lymphoblastoid silent region 10495; plus strand). Cytogenetic location: 19q13.11.
Variant type: single nucleotide variant.
Coding change: c.-4C>T on transcript NM_004364.5 (MANE Select); 4 bases upstream of the start codon, C replaced by T.
Molecular consequence: 5 prime UTR variant. On other transcripts: synonymous variant (1).
Genome position (GRCh38, 1-based): chr19:33,302,418, G>A on the plus strand (C>T on the coding strand, the complement: CEBPA is on the minus strand). VCF-style: chr19-33302418-G-A. GRCh37 (hg19) VCF-style: chr19-33793324-G-A.
Other names: c.-361C>T (NM_001285829.2); c.102C>T, p.Ser34= (NM_001287424.2); c.-46C>T (NM_001287435.2).
Identifiers: ClinVar variation 4611251 (VCV004611251.1).

ClinVar aggregate classification (germline): Uncertain significance (1 of 4 stars; one submission).

Conditions:
Inborn genetic diseases. Identifiers: MedGen C0950123, MeSH D030342.

Submission:

Ambry Genetics
Classification: Uncertain significance for Inborn genetic diseases. Last evaluated: 2025-10-29. Review status: criteria provided, single submitter. Criteria: Ambry Variant Classification Scheme 2023. Collection method: clinical testing. Allele origin: germline.
Comment: The c.-4C>T variant is located in the 5' untranslated region (5&rsquo; UTR) of the CEBPA gene. This variant results from a C to T substitution 4 bases upstream from the first translated codon. This nucleotide position is well conserved in available vertebrate species. Based on the available evidence, the clinical significance of this variant remains unclear.